The following is an entry in ClinVar:

NM_178857.6(RP1L1):c.6954T>C (p.His2318=)

Gene: RP1L1 (RP1 like 1). Cytogenetic location: 8p23.1.
Variant type: single nucleotide variant.
Coding change: c.6954T>C on transcript NM_178857.6 (MANE Select); coding-DNA position 6954, T replaced by C.
Protein change: p.His2318=; no amino-acid change (histidine 2318 retained).
Molecular consequence: synonymous variant.
Genome position (GRCh38, 1-based): chr8:10,607,144, A>G on the plus strand (T>C on the coding strand, the complement: RP1L1 is on the minus strand). VCF-style: chr8-10607144-A-G. GRCh37 (hg19) VCF-style: chr8-10464654-A-G.
Identifiers: ClinVar variation 3050408 (VCV003050408.3), dbSNP rs191045080, ClinGen allele CA4623122.
Genomic context (GRCh38, chr8:10,607,144, plus strand): 5'-CCTCTCTGCATGAGGGGTCCCCGTGGACTTGGCATCAGGGCTCCTTGTGTCTCCAAGTAC[A>G]TGGTCATTTTCTGAGTCTTTCTGCCAGCAGTTGCCCCAAGAGGATGCTCTGGAGGAGGAA-3'
Protein context (NP_849188.4, residues 2308-2328): NCWQKDSEND[His2318=]VLGDTRSPDA

ClinVar aggregate classification (germline): Likely benign. Review status: criteria provided, single submitter (1 of 4 stars). 2 submissions from 2 submitters: Likely benign (1). 1 of the submissions does not count toward it. Last evaluated 2024-02-12.

Conditions:
RP1L1-related disorder. Also called: RP1L1-related condition.

Allele frequency attached by ClinVar (database versions not stated): ExAC 0.00023; ESP Exome Variant Server 0.00049; TOPMed 0.00078; gnomAD 0.00088; 1000 Genomes Project 0.00100; 1000 Genomes Project 30x 0.00109.
gnomAD v4.1: 286 of 1,614,226 alleles (0.018%); highest among the groups gnomAD compares: African/African-American, 0.32%; no homozygotes.

Submissions (2):

Blueprint Genetics
Classification: Likely benign. Last evaluated: 2024-02-12. Review status: criteria provided, single submitter. Criteria: ACMG Guidelines, 2015. Collection method: clinical testing. Allele origin: germline.

PreventionGenetics, part of Exact Sciences
Classification: Likely benign for RP1L1-related condition. Last evaluated: 2019-08-01. Review status: no assertion criteria provided. Collection method: clinical testing. Allele origin: germline. Not counted in ClinVar's aggregate classification.
Comment: This variant is classified as likely benign based on ACMG/AMP sequence variant interpretation guidelines (Richards et al. 2015 PMID: 25741868, with internal and published modifications).